The following is an entry in ClinVar:

NM_001148.6(ANK2):c.397C>G (p.Pro133Ala)

Gene: ANK2 (ankyrin 2; plus strand). Cytogenetic location: 4q26.
Variant type: single nucleotide variant.
Coding change: c.397C>G on transcript NM_001148.6 (MANE Select); coding-DNA position 397, C replaced by G.
Protein change: p.Pro133Ala; replaces proline 133 with alanine.
Molecular consequence: missense variant.
Genome position (GRCh38, 1-based): chr4:113,232,173, C>G. VCF-style: chr4-113232173-C-G. GRCh37 (hg19) VCF-style: chr4-114153329-C-G.
Other names: c.334C>G, p.Pro112Ala (NM_001386156.1, NM_001386157.1, NM_001386158.1 and 33 more transcripts); c.379C>G, p.Pro127Ala (NM_001386160.1, NM_001354261.2, NM_001386147.1); c.448C>G, p.Pro150Ala (NM_001386174.1, NM_001386175.1); c.385C>G, p.Pro129Ala (NM_001386186.2, NM_001386187.2, NM_001354269.3 and 1 more transcripts); c.397C>G, p.Pro133Ala (NM_020977.5, NM_001354225.2, NM_001354228.2 and 9 more transcripts); c.442C>G, p.Pro148Ala (NM_001354230.2, NM_001354231.2, NM_001354237.2 and 5 more transcripts); short protein forms P148A, P129A, P133A, P150A, P127A, P112A.
Identifiers: ClinVar variation 1421533 (VCV001421533.8), dbSNP rs1275075425, ClinGen allele CA357914190.

ClinVar aggregate classification (germline): Uncertain significance (1 of 4 stars; one submission).

Conditions:
Long QT syndrome (LQTS). Identifiers: MedGen C0023976, MeSH D008133, MONDO:0002442. Disease mechanism: loss of function. Inheritance: Various modes of inheritance.

Allele frequency attached by ClinVar (database versions not stated): gnomAD 0.00001.

Submission:

Labcorp Genetics (formerly Invitae), Labcorp
Classification: Uncertain significance for Long QT syndrome. Last evaluated: 2021-02-23. Review status: criteria provided, single submitter. Criteria: Invitae Variant Classification Sherloc (09022015). Collection method: clinical testing. Allele origin: germline.
Comment: In summary, the available evidence is currently insufficient to determine the role of this variant in disease. Therefore, it has been classified as a Variant of Uncertain Significance. Algorithms developed to predict the effect of missense changes on protein structure and function are either unavailable or do not agree on the potential impact of this missense change (SIFT: "Deleterious"; PolyPhen-2: "Probably Damaging"; Align-GVGD: "Class C0"). This variant has not been reported in the literature in individuals with ANK2-related conditions. This variant is not present in population databases (ExAC no frequency). This sequence change replaces proline with alanine at codon 133 of the ANK2 protein (p.Pro133Ala). The proline residue is highly conserved and there is a small physicochemical difference between proline and alanine.